The following is an entry in ClinVar:

NM_002206.3(ITGA7):c.1249A>G (p.Ser417Gly)

Gene: ITGA7 (integrin subunit alpha 7; minus strand). Cytogenetic location: 12q13.2.
Variant type: single nucleotide variant.
Coding change: c.1249A>G on transcript NM_002206.3 (MANE Select); coding-DNA position 1249, A replaced by G.
Protein change: p.Ser417Gly; replaces serine 417 with glycine.
Molecular consequence: missense variant. On other transcripts: 5 prime UTR variant (1).
Genome position (GRCh38, 1-based): chr12:55,697,970, T>C on the plus strand (A>G on the coding strand, the complement: ITGA7 is on the minus strand). VCF-style: chr12-55697970-T-C. GRCh37 (hg19) VCF-style: chr12-56091754-T-C.
Other names: c.1261A>G, p.Ser421Gly (NM_001144996.2, NM_001414029.1); c.970A>G, p.Ser324Gly (NM_001144997.2); c.922A>G, p.Ser308Gly (NM_001367993.1); c.-44A>G (NM_001367994.1); c.1249A>G, p.Ser417Gly (NM_001374465.1, NM_001414034.1); c.1381A>G, p.Ser461Gly (NM_001410977.1); c.1174A>G, p.Ser392Gly (NM_001414030.1); c.1162A>G, p.Ser388Gly (NM_001414031.1); and 3 more; short protein forms S308G, S324G, S417G, S421G, S461G, S304G, S377G, S392G.
Identifiers: ClinVar variation 998835 (VCV000998835.5), dbSNP rs150004156, ClinGen allele CA6616018.

ClinVar aggregate classification (germline): Uncertain significance. Review status: criteria provided, multiple submitters, no conflicts (2 of 4 stars). 2 submissions from 2 submitters: Uncertain significance (2). Last evaluated 2023-03-31.

Conditions:
Congenital muscular dystrophy due to integrin alpha-7 deficiency. Also called: MYOPATHY, CONGENITAL, DUE TO INTEGRIN ALPHA-7 DEFICIENCY; Congenital muscular dystrophy with integrin alpha-7 deficiency; Muscular dystrophy, congenital, due to ITGA7 deficiency. Identifiers: Orphanet 34520, MedGen C2750786, MONDO:0013177, OMIM 613204.

Allele frequency attached by ClinVar (database versions not stated): gnomAD 0.00009; TOPMed 0.00011; gnomAD exomes 0.00013; ExAC 0.00016; ESP Exome Variant Server 0.00038.
gnomAD v4.1: 197 of 1,613,922 alleles (0.012%); highest among the groups gnomAD compares: Non-Finnish European, 0.016%; no homozygotes.

Submissions (2):

Revvity Omics, Revvity
Classification: Uncertain significance for Congenital muscular dystrophy due to integrin alpha-7 deficiency. Last evaluated: 2023-03-31. Review status: criteria provided, single submitter. Criteria: ACMG Guidelines, 2015. Collection method: clinical testing. Allele origin: germline.

Labcorp Genetics (formerly Invitae), Labcorp
Classification: Uncertain significance for Congenital muscular dystrophy due to integrin alpha-7 deficiency. Last evaluated: 2022-07-06. Review status: criteria provided, single submitter. Criteria: Invitae Variant Classification Sherloc (09022015). Collection method: clinical testing. Allele origin: germline.
Comment: This sequence change replaces serine, which is neutral and polar, with glycine, which is neutral and non-polar, at codon 417 of the ITGA7 protein (p.Ser417Gly). This variant is present in population databases (rs150004156, gnomAD 0.02%). This variant has not been reported in the literature in individuals affected with ITGA7-related conditions. ClinVar contains an entry for this variant (Variation ID: 998835). Algorithms developed to predict the effect of missense changes on protein structure and function are either unavailable or do not agree on the potential impact of this missense change (SIFT: "Deleterious"; PolyPhen-2: "Possibly Damaging"; Align-GVGD: "Class C0"). In summary, the available evidence is currently insufficient to determine the role of this variant in disease. Therefore, it has been classified as a Variant of Uncertain Significance.